The following is an entry in ClinVar:

ClinVar aggregate classification (germline): Uncertain significance (1 of 4 stars; one submission).

Submission:

Labcorp Genetics (formerly Invitae), Labcorp
Classification: Uncertain significance. Last evaluated: 2022-08-22. Review status: criteria provided, single submitter. Criteria: Invitae Variant Classification Sherloc (09022015). Collection method: clinical testing. Allele origin: germline.
Comment: In summary, the available evidence is currently insufficient to determine the role of this variant in disease. Therefore, it has been classified as a Variant of Uncertain Significance. Algorithms developed to predict the effect of missense changes on protein structure and function are either unavailable or do not agree on the potential impact of this missense change (SIFT: "Deleterious"; PolyPhen-2: "Probably Damaging"; Align-GVGD: "Class C15"). This variant has not been reported in the literature in individuals affected with CLCN4-related conditions. This variant is not present in population databases (gnomAD no frequency). This sequence change replaces valine, which is neutral and non-polar, with alanine, which is neutral and non-polar, at codon 171 of the CLCN4 protein (p.Val171Ala).

NM_001830.4(CLCN4):c.512T>C (p.Val171Ala)

Gene: CLCN4 (chloride voltage-gated channel 4; plus strand). Cytogenetic location: Xp22.2.
Variant type: single nucleotide variant.
Coding change: c.512T>C on transcript NM_001830.4 (MANE Select); coding-DNA position 512, T replaced by C.
Protein change: p.Val171Ala; replaces valine 171 with alanine.
Molecular consequence: missense variant.
Genome position (GRCh38, 1-based): chrX:10,198,018, T>C. VCF-style: chrX-10198018-T-C. GRCh37 (hg19) VCF-style: chrX-10166058-T-C.
Other names: c.230T>C, p.Val77Ala (NM_001256944.2); short protein forms V77A, V171A.
Identifiers: ClinVar variation 2117071 (VCV002117071.4), dbSNP rs2518879754, ClinGen allele CA412034959.